The following is an entry in ClinVar:

NM_001079872.2(CUL4B):c.1480G>A (p.Asp494Asn)

Gene: CUL4B (cullin 4B; minus strand). Cytogenetic location: Xq24.
Variant type: single nucleotide variant.
Coding change: c.1480G>A on transcript NM_001079872.2 (MANE Select); coding-DNA position 1480, G replaced by A.
Protein change: p.Asp494Asn; replaces aspartic acid 494 with asparagine.
Molecular consequence: missense variant.
Genome position (GRCh38, 1-based): chrX:120,540,526, C>T on the plus strand (G>A on the coding strand, the complement: CUL4B is on the minus strand). VCF-style: chrX-120540526-C-T. GRCh37 (hg19) VCF-style: chrX-119674381-C-T.
Other names: c.1495G>A, p.Asp499Asn (NM_001330624.2); c.946G>A, p.Asp316Asn (NM_001369145.1); c.1534G>A, p.Asp512Asn (NM_003588.4); short protein forms D316N, D494N, D499N, D512N.
Identifiers: ClinVar variation 1474560 (VCV001474560.6), dbSNP rs2147329944, ClinGen allele CA414196975.

ClinVar aggregate classification (germline): Uncertain significance (1 of 4 stars; one submission).

Conditions:
X-linked intellectual disability Cabezas type (MRXSC). Also called: Intellectual developmental disorder, X-linked syndromic, Cabezas type; CABEZAS SYNDROME; MENTAL RETARDATION, X-LINKED, SYNDROMIC 15. Identifiers: Orphanet 85289, Orphanet 85293, MedGen C1845861, MONDO:0010306, OMIM 300354.

Submission:

Labcorp Genetics (formerly Invitae), Labcorp
Classification: Uncertain significance for X-linked intellectual disability Cabezas type. Last evaluated: 2021-08-07. Review status: criteria provided, single submitter. Criteria: Invitae Variant Classification Sherloc (09022015). Collection method: clinical testing. Allele origin: germline.
Comment: This variant has not been reported in the literature in individuals affected with CUL4B-related conditions. This sequence change replaces aspartic acid with asparagine at codon 512 of the CUL4B protein (p.Asp512Asn). The aspartic acid residue is highly conserved and there is a small physicochemical difference between aspartic acid and asparagine. This variant is not present in population databases (ExAC no frequency). Algorithms developed to predict the effect of missense changes on protein structure and function are either unavailable or do not agree on the potential impact of this missense change (SIFT: "Tolerated"; PolyPhen-2: "Possibly Damaging"; Align-GVGD: "Class C0"). In summary, the available evidence is currently insufficient to determine the role of this variant in disease. Therefore, it has been classified as a Variant of Uncertain Significance.